The following is an entry in ClinVar:

NM_000257.4(MYH7):c.2609G>A (p.Arg870His)

Genes: MYH7 (myosin heavy chain 7; minus strand), LOC126861898 (BRD4-independent group 4 enhancer GRCh37_chr14:23893609-23894808; plus strand). Cytogenetic location: 14q11.2.
Variant type: single nucleotide variant.
Coding change: c.2609G>A on transcript NM_000257.4 (MANE Select); coding-DNA position 2609, G replaced by A.
Protein change: p.Arg870His; replaces arginine 870 with histidine.
Molecular consequence: missense variant.
Genome position (GRCh38, 1-based): chr14:23,424,839, C>T on the plus strand (G>A on the coding strand, the complement: MYH7 is on the minus strand). VCF-style: chr14-23424839-C-T. GRCh37 (hg19) VCF-style: chr14-23894048-C-T.
Other names: p.R870H:CGC>CAC; NM_000257.3(MYH7):c.2609G>A; short protein forms R870H.
Identifiers: ClinVar variation 14120 (VCV000014120.75), dbSNP rs36211715, ClinGen allele CA012740.

ClinVar aggregate classification (germline): Pathogenic. Review status: reviewed by expert panel (3 of 4 stars). 31 submissions from 31 submitters: Pathogenic (1). 30 of the submissions do not count toward it. Last evaluated 2016-12-15.

Conditions:
Chest pain. Identifiers: MedGen C0008031, HP:0100749.
Hypertrophic cardiomyopathy. Also called: HYPERTROPHIC MYOCARDIOPATHY. Identifiers: Orphanet 217569, MedGen C0007194, MeSH D002312, MONDO:0005045, HP:0001639.
MYH7-related disorder. Also called: MYH7-related disorders; MYH7-related condition; MYH7-related disease.
Cardiovascular phenotype. Identifiers: MedGen CN230736.
Arrhythmogenic right ventricular cardiomyopathy (ARVD). Also called: Arrhythmogenic right ventricular dysplasia; Arrhythmogenic cardiomyopathy; Arrhythmogenic Right Ventricular Cardiomyopathy (ARVC); Cardiomyopathy, ARVC. Identifiers: Orphanet 247, MedGen C0349788, MeSH D019571, MONDO:0016587. Disease mechanism: loss of function. Inheritance: Various modes of inheritance.
Cardiomyopathy (CMYO). Also called: Cardiomyopathies. Identifiers: Orphanet 167848, MedGen C0878544, MONDO:0004994, HP:0001638. Inheritance: Various modes of inheritance.
Hypertrophic cardiomyopathy 1 (CMH1). Also called: Familial hypertrophic cardiomyopathy 1; MYH7-Related Familial Hypertrophic Cardiomyopathy. Identifiers: MedGen C3495498, MONDO:0008647, OMIM 192600.
Dilated cardiomyopathy 1S (CMD1S). Identifiers: Orphanet 154, Orphanet 54260, MedGen C1834481, MONDO:0013262, OMIM 613426.
Primary familial hypertrophic cardiomyopathy (HCM). Identifiers: Orphanet 99739, MedGen C0949658, MeSH D024741, MONDO:0024573. Inheritance: Various modes of inheritance.

Allele frequency attached by ClinVar (database versions not stated): gnomAD exomes below 0.00001; TOPMed 0.00002; ExAC 0.00001; gnomAD 0.00001.
gnomAD v4.1: 15 of 1,614,086 alleles (0.00093%); highest among the groups gnomAD compares: Admixed American, 0.0017%; no homozygotes.

Submissions 1 to 7 of 31:

ClinGen Cardiomyopathy Variant Curation Expert Panel
Classification: Pathogenic for Hypertrophic cardiomyopathy. Last evaluated: 2016-12-15. Review status: reviewed by expert panel. Criteria: ClinGen CMP ACMG Specifications v1. Collection method: curation. Allele origin: germline. Inheritance: Autosomal dominant inheritance.
Comment: The c.2609G>A (p.Arg870His) variant in MYH7 has been reported in >20 individuals with hypertrophic cardiomyopathy (PS4; PMID:7796500; PMID:12974739; PMID:17703256; PMID:27532257; Partners LMM ClinVar SCV000059458.5; SHaRe consortium, PMID: 30297972). This variant segregated with disease in >10 affected individuals (PP1_Strong; PMID:7796500; PMID:12974739; PMID:17703256). This variant was identified in 1/66732 European chromosomes (PM2). This variant lies in the head region of the protein (aa 181-937) and missense variants in this region are statistically more likely to be disease-associated (PM1; PMID:27532257). In summary, this variant meets criteria to be classified as pathogenic for hypertrophic cardiomyopathy in an autosomal dominant manner. MYH7-specific ACMG/AMP criteria applied (PMID:29300372): PS4; PP1_ Strong; PM1; PM2

PreventionGenetics, part of Exact Sciences
Classification: Pathogenic for MYH7-related condition. Last evaluated: 2026-02-14. Review status: criteria provided, single submitter. Criteria: ACMG Guidelines, 2015. Collection method: clinical testing. Allele origin: germline. Not counted in ClinVar's aggregate classification.
Comment: The MYH7 c.2609G>A variant is predicted to result in the amino acid substitution p.Arg870His. This variant has been reported in individuals with hypertrophic cardiomyopathy (Table S1, Weissler-Snir et al. 2017. PubMed ID: 28193612; Supplementary file 2, van Lint et al. 2019. PubMed ID: 30847666; Table S1, Robyns et al. 2019. PubMed ID: 31513939; Supplementary data, Marschall et al. 2019. PubMed ID: 31737537; Table S2, Burstein et al. 2020. PubMed ID: 32746448; Additional file 2, Hathaway et al. 2021. PubMed ID: 33673806; eTable 3, Guo et al. 2021. PubMed ID: 34076677; Table S1, Lesurf et al. 2022. PubMed ID: 35288587; Table S1, Stava et al. 2022. PubMed ID: 35653365). In vitro experimental studies suggest this variant impacts protein function (Singh et al. 2021. PubMed ID: 34051236). This variant is reported in 0.0015% of alleles in individuals of European (Non-Finnish) descent in gnomAD. This variant is interpreted as pathogenic by the ClinGen Cardiomyopathy Variant Curation Expert Panel (Variation ID: 14120). This variant is interpreted as pathogenic.

Labcorp Genetics (formerly Invitae), Labcorp
Classification: Pathogenic for Hypertrophic cardiomyopathy. Last evaluated: 2026-01-10. Review status: criteria provided, single submitter. Criteria: Invitae Variant Classification Sherloc (09022015). Collection method: clinical testing. Allele origin: germline. Not counted in ClinVar's aggregate classification.
Comment: This sequence change replaces arginine, which is basic and polar, with histidine, which is basic and polar, at codon 870 of the MYH7 protein (p.Arg870His). This variant is present in population databases (rs36211715, gnomAD 0.002%). This missense change has been observed in individuals with hypertrophic cardiomyopathy (PMID: 7796500, 10725281, 12974739, 17125710, 17703256, 19150014, 20031618, 21674835, 22429680, 23283745, 23816408, 24111713, 27532257). It has also been observed to segregate with disease in related individuals. ClinVar contains an entry for this variant (Variation ID: 14120). Invitae Evidence Modeling of protein sequence and biophysical properties (such as structural, functional, and spatial information, amino acid conservation, physicochemical variation, residue mobility, and thermodynamic stability) indicates that this missense variant is expected to disrupt MYH7 protein function with a positive predictive value of 95%. Experimental studies have shown that this missense change affects MYH7 function (PMID: 9172070, 17192269). For these reasons, this variant has been classified as Pathogenic.

Molecular Diagnostic Laboratory for Inherited Cardiovascular Disease, Montreal Heart Institute
Classification: Pathogenic for Cardiovascular phenotype. Last evaluated: 2025-11-18. Review status: criteria provided, single submitter. Criteria: ACMG Guidelines, 2015. Collection method: clinical testing. Allele origin: germline. Affected: yes. Not counted in ClinVar's aggregate classification.
Comment: PS3, PS4, PP1_strong, PM1, PM2, PM5

Color Diagnostics, LLC DBA Color Health
Classification: Pathogenic for Cardiomyopathy. Last evaluated: 2025-07-10. Review status: criteria provided, single submitter. Criteria: ACMG Guidelines, 2015. Collection method: clinical testing. Allele origin: germline. Not counted in ClinVar's aggregate classification.
Comment: This missense variant replaces arginine with histidine at codon 870 of the MYH7 protein. Computational prediction suggests that this variant may have a deleterious impact on protein structure and function. This variant is found within a highly conserved region of the myosin head domain. Missense variants in this region have been shown to be significantly overrepresented in individuals with hypertrophic cardiomyopathy (PMID: 27532257). To our knowledge, functional studies have not been reported for this variant. This variant has been reported in over 50 fifty individuals affected with hypertrophic cardiomyopathy (PMID: 7796500, 9172070, 10725281, 12974739, 16650083, 17125710, 17703256, 19150014, 20031618, 21674835, 22429680, 22765922, 23283745, 23816408, 24111713, 24793961, 25132132, 25351510, 25611685, 27532257, 27885498, 28408708, 28615295, 28790153, 29875424, 30847666, 31513939, 31737537, 32746448, 33029862, 33673806, 35288587). It has been shown that this variant segregates with disease in multiple affected individuals across several large families (PMID: 7796500, 12974739, 16650083, 17703256). It has also been reported in an individual affected with arrhythmogenic cardiomyopathy (PMID: 34067482). This variant has been identified in 2/282808 chromosomes in the general population by the Genome Aggregation Database (gnomAD). A different variant affecting the same codon, p.Arg870Cys, is considered to be disease-causing (ClinVar variation ID: 161326), suggesting that arginine at this position is important for MYH7 protein function. Based on the available evidence, this variant is classified as Pathogenic.

North West Genomic Laboratory Hub, Manchester University NHS Foundation Trust
Classification: Pathogenic for Hypertrophic cardiomyopathy 1. Last evaluated: 2024-07-31. Review status: criteria provided, single submitter. Criteria: ACGS Best Practice Guidelines for Variant Classification in Rare Disease 2020. Collection method: clinical testing. Allele origin: germline. Affected: yes. Not counted in ClinVar's aggregate classification.
Comment: PM1_Mod PM2 PP1_Str PP3_Supp PS4_Str

Laboratory of Medical Genetics, National & Kapodistrian University of Athens
Classification: Likely pathogenic for Dilated cardiomyopathy 1S. Last evaluated: 2024-04-11. Review status: criteria provided, single submitter. Criteria: ACMG Guidelines, 2015. Collection method: clinical testing. Allele origin: germline. Affected: yes. Not counted in ClinVar's aggregate classification.
Comment: PM1, PM2, PM5, PP3, PP5 - The variant has been reported in ClinVar as Pathogenic by other laboratories (Variation ID 14120). This variant has been previously reported as causative (PMID:16650083).